The following is an entry in ClinVar:

NM_001160372.4(TRAPPC9):c.3214G>A (p.Val1072Met)

Gene: TRAPPC9 (trafficking protein particle complex subunit 9; minus strand). Cytogenetic location: 8q24.3.
Variant type: single nucleotide variant.
Coding change: c.3214G>A on transcript NM_001160372.4 (MANE Select); coding-DNA position 3214, G replaced by A.
Protein change: p.Val1072Met; replaces valine 1072 with methionine.
Molecular consequence: missense variant. On other transcripts: non-coding transcript variant (1).
Genome position (GRCh38, 1-based): chr8:139,732,044, C>T on the plus strand (G>A on the coding strand, the complement: TRAPPC9 is on the minus strand). VCF-style: chr8-139732044-C-T. GRCh37 (hg19) VCF-style: chr8-140744287-C-T.
Other names: c.3187G>A, p.Val1063Met (NM_001321646.2); c.3235G>A, p.Val1079Met (NM_001374682.1); c.3103G>A, p.Val1035Met (NM_001374683.1); c.3070G>A, p.Val1024Met (NM_001374684.1); c.3214G>A, p.Val1072Met (NM_031466.8); c.3508G>A (NM_031466.5); short protein forms V1024M, V1063M, V1079M, V1035M, V1072M.
Identifiers: ClinVar variation 2148878 (VCV002148878.5), dbSNP rs762076098, ClinGen allele CA4892775.

ClinVar aggregate classification (germline): Uncertain significance. Review status: criteria provided, multiple submitters, no conflicts (2 of 4 stars). 3 submissions from 3 submitters: Uncertain significance (3). Last evaluated 2024-09-11.

Conditions:
Inborn genetic diseases. Identifiers: MedGen C0950123, MeSH D030342.

Allele frequency attached by ClinVar (database versions not stated): gnomAD 0.00001; ExAC 0.00002; gnomAD exomes 0.00002; TOPMed 0.00002.
gnomAD v4.1: 25 of 1,604,570 alleles (0.0016%); highest among the groups gnomAD compares: South Asian, 0.0034%; no homozygotes.

Submissions (3):

Women's Health and Genetics/Laboratory Corporation of America, LabCorp
Classification: Uncertain significance. Last evaluated: 2024-09-11. Review status: criteria provided, single submitter. Criteria: LabCorp Variant Classification Summary - May 2015. Collection method: clinical testing. Allele origin: germline.
Comment: Variant summary: TRAPPC9 c.3214G>A (p.Val1072Met) results in a conservative amino acid change in the encoded protein sequence. Three of five in-silico tools predict a damaging effect of the variant on protein function. The variant allele was found at a frequency of 1.3e-05 in 231078 control chromosomes. The available data on variant occurrences in the general population are insufficient to allow any conclusion about variant significance. To our knowledge, no occurrence of c.3214G>A in individuals affected with Intellectual Disability, Autosomal Recessive 13 and no experimental evidence demonstrating its impact on protein function have been reported. ClinVar contains an entry for this variant (Variation ID: 2148878). Based on the evidence outlined above, the variant was classified as uncertain significance.

Ambry Genetics
Classification: Uncertain significance for Inborn genetic diseases. Last evaluated: 2023-12-12. Review status: criteria provided, single submitter. Criteria: Ambry Variant Classification Scheme 2023. Collection method: clinical testing. Allele origin: germline.

Labcorp Genetics (formerly Invitae), Labcorp
Classification: Uncertain significance. Last evaluated: 2022-06-27. Review status: criteria provided, single submitter. Criteria: Invitae Variant Classification Sherloc (09022015). Collection method: clinical testing. Allele origin: germline.
Comment: In summary, the available evidence is currently insufficient to determine the role of this variant in disease. Therefore, it has been classified as a Variant of Uncertain Significance. Algorithms developed to predict the effect of missense changes on protein structure and function are either unavailable or do not agree on the potential impact of this missense change (SIFT: "Not Available"; PolyPhen-2: "Possibly Damaging"; Align-GVGD: "Not Available"). This variant has not been reported in the literature in individuals affected with TRAPPC9-related conditions. This variant is present in population databases (rs762076098, gnomAD 0.005%). This sequence change replaces valine, which is neutral and non-polar, with methionine, which is neutral and non-polar, at codon 1170 of the TRAPPC9 protein (p.Val1170Met).